The following is an entry in ClinVar:

ClinVar aggregate classification (germline): Uncertain significance (1 of 4 stars; one submission).

Conditions:
Hypertrophic cardiomyopathy. Also called: HYPERTROPHIC MYOCARDIOPATHY. Identifiers: Orphanet 217569, MedGen C0007194, MeSH D002312, MONDO:0005045, HP:0001639.

Submission:

Labcorp Genetics (formerly Invitae), Labcorp
Classification: Uncertain significance for Hypertrophic cardiomyopathy. Last evaluated: 2023-09-29. Review status: criteria provided, single submitter. Criteria: Invitae Variant Classification Sherloc (09022015). Collection method: clinical testing. Allele origin: germline.
Comment: This sequence change replaces lysine, which is basic and polar, with glutamic acid, which is acidic and polar, at codon 380 of the MYBPC3 protein (p.Lys380Glu). This variant is not present in population databases (gnomAD no frequency). This variant has not been reported in the literature in individuals affected with MYBPC3-related conditions. An algorithm developed to predict the effect of missense changes on protein structure and function (PolyPhen-2) suggests that this variant is likely to be disruptive. In summary, the available evidence is currently insufficient to determine the role of this variant in disease. Therefore, it has been classified as a Variant of Uncertain Significance.

NM_000256.3(MYBPC3):c.1138A>G (p.Lys380Glu)

Gene: MYBPC3 (myosin binding protein C3; minus strand). Cytogenetic location: 11p11.2.
Variant type: single nucleotide variant.
Coding change: c.1138A>G on transcript NM_000256.3 (MANE Select); coding-DNA position 1138, A replaced by G.
Protein change: p.Lys380Glu; replaces lysine 380 with glutamic acid.
Molecular consequence: missense variant.
Genome position (GRCh38, 1-based): chr11:47,343,577, T>C on the plus strand (A>G on the coding strand, the complement: MYBPC3 is on the minus strand). VCF-style: chr11-47343577-T-C. GRCh37 (hg19) VCF-style: chr11-47365128-T-C.
Other names: short protein forms K380E.
Identifiers: ClinVar variation 2839731 (VCV002839731.3), dbSNP rs2495765692, ClinGen allele CA380329093.
Genomic context (GRCh38, chr11:47,343,577, plus strand): 5'-CATTCTTGAGCCATTTGACCTCAGCGTCATGGTCAGCCAGTTCCACGGTCAGCCGGATCT[T>C]GTGGCCTTTGCTCACCTGGTAGGCCGGCTCCAGCTTCTTCTGAAAGGCTGAGCACCACCC-3'
Protein context (NP_000247.2, residues 370-390): EPAYQVSKGH[Lys380Glu]IRLTVELADH